The following is an entry in ClinVar:

ClinVar aggregate classification (germline): Uncertain significance (1 of 4 stars; one submission).

Allele frequency attached by ClinVar (database versions not stated): gnomAD exomes 0.00003; ExAC 0.00006; gnomAD 0.00008; TOPMed 0.00008; ESP Exome Variant Server 0.00015.

Submission:

Labcorp Genetics (formerly Invitae), Labcorp
Classification: Uncertain significance. Last evaluated: 2025-12-03. Review status: criteria provided, single submitter. Criteria: Invitae Variant Classification Sherloc (09022015). Collection method: clinical testing. Allele origin: germline.
Comment: This sequence change replaces arginine, which is basic and polar, with glutamine, which is neutral and polar, at codon 289 of the BMP2 protein (p.Arg289Gln). This variant is present in population databases (rs370948498, gnomAD 0.02%). This variant has not been reported in the literature in individuals affected with BMP2-related conditions. ClinVar contains an entry for this variant (Variation ID: 1981986). An algorithm developed to predict the effect of missense changes on protein structure and function (PolyPhen-2) suggests that this variant is likely to be disruptive. In summary, the available evidence is currently insufficient to determine the role of this variant in disease. Therefore, it has been classified as a Variant of Uncertain Significance.

NM_001200.4(BMP2):c.866G>A (p.Arg289Gln)

Gene: BMP2 (bone morphogenetic protein 2; plus strand). Cytogenetic location: 20p12.3.
Variant type: single nucleotide variant.
Coding change: c.866G>A on transcript NM_001200.4 (MANE Select); coding-DNA position 866, G replaced by A.
Protein change: p.Arg289Gln; replaces arginine 289 with glutamine.
Molecular consequence: missense variant.
Genome position (GRCh38, 1-based): chr20:6,778,764, G>A. VCF-style: chr20-6778764-G-A. GRCh37 (hg19) VCF-style: chr20-6759411-G-A.
Other names: short protein forms R289Q.
Identifiers: ClinVar variation 1981986 (VCV001981986.4), dbSNP rs370948498, ClinGen allele CA9758756.